The following is an entry in ClinVar:

ClinVar aggregate classification (germline): Uncertain significance (1 of 4 stars; one submission).

Conditions:
Catecholaminergic polymorphic ventricular tachycardia (CVPT). Also called: Catecholamine-induced polymorphic ventricular tachycardia. Identifiers: Orphanet 3286, MedGen C5574922, MONDO:0017990.

Submission:

All of Us Research Program, National Institutes of Health
Classification: Uncertain significance for Catecholaminergic polymorphic ventricular tachycardia. Last evaluated: 2024-03-05. Review status: criteria provided, single submitter. Criteria: ACMG Guidelines, 2015. Collection method: clinical testing. Allele origin: germline. Inheritance: Autosomal dominant inheritance. Observed: 2 variant alleles, 2 heterozygotes.
Comment: This missense variant replaces glutamic acid with lysine at codon 1132 of the RYR2 protein. Computational prediction suggests that this variant may not impact protein structure and function (internally defined REVEL score threshold <= 0.5, PMID: 27666373). To our knowledge, functional studies have not been reported for this variant. This variant has not been reported in individuals affected with RYR2-related disorders in the literature. This variant has not been identified in the general population by the Genome Aggregation Database (gnomAD). The available evidence is insufficient to determine the role of this variant in disease conclusively. Therefore, this variant is classified as a Variant of Uncertain Significance.

This study involves interpretation of variants in research participants for the purpose of population health screening. Participant phenotype was not available at the time of variant classification. Additional details can be found in publication PMID: 35346344, PMCID: PMC8962531

NM_001035.3(RYR2):c.3394G>A (p.Glu1132Lys)

Gene: RYR2 (ryanodine receptor 2; plus strand). Cytogenetic location: 1q43.
Variant type: single nucleotide variant.
Coding change: c.3394G>A on transcript NM_001035.3 (MANE Select); coding-DNA position 3394, G replaced by A.
Protein change: p.Glu1132Lys; replaces glutamic acid 1132 with lysine.
Molecular consequence: missense variant.
Genome position (GRCh38, 1-based): chr1:237,566,746, G>A. VCF-style: chr1-237566746-G-A. GRCh37 (hg19) VCF-style: chr1-237730046-G-A.
Other names: short protein forms E1132K.
Identifiers: ClinVar variation 3072973 (VCV003072973.2), dbSNP rs1389917689, ClinGen allele CA345398832.